The following is an entry in ClinVar:

ClinVar aggregate classification (germline): Likely benign. Review status: criteria provided, multiple submitters, no conflicts (2 of 4 stars). 2 submissions from 2 submitters: Likely benign (2). Last evaluated 2025-12-01.

Allele frequency attached by ClinVar (database versions not stated): gnomAD exomes 0.00026; gnomAD 0.00050 and 0.00051; 1000 Genomes Project 30x 0.00062; ExAC 0.00067; ESP Exome Variant Server 0.00077.

Submissions (2):

CeGaT Center for Human Genetics Tuebingen
Classification: Likely benign. Last evaluated: 2025-12-01. Review status: criteria provided, single submitter. Criteria: CeGaT Center For Human Genetics Tuebingen Variant Classification Criteria Version 2. Collection method: clinical testing. Allele origin: germline. Affected: yes. Observed: 4 variant alleles.
Comment: FLG2: BP4, BP7

Blueprint Genetics
Classification: Likely benign. Last evaluated: 2024-11-11. Review status: criteria provided, single submitter. Criteria: ACMG Guidelines, 2015. Collection method: clinical testing. Allele origin: germline.

NM_001014342.3(FLG2):c.1815C>T (p.Gly605=)

Genes: CCDST (cervical cancer associated DHX9 suppressive transcript; plus strand), FLG2 (filaggrin 2; minus strand). Cytogenetic location: 1q21.3.
Variant type: single nucleotide variant.
Coding change: c.1815C>T on transcript NM_001014342.3 (MANE Select); coding-DNA position 1815, C replaced by T.
Protein change: p.Gly605=; no amino-acid change (glycine 605 retained).
Molecular consequence: synonymous variant.
Genome position (GRCh38, 1-based): chr1:152,355,971, G>A on the plus strand (C>T on the coding strand, the complement: FLG2 is on the minus strand). VCF-style: chr1-152355971-G-A. GRCh37 (hg19) VCF-style: chr1-152328447-G-A.
Identifiers: ClinVar variation 1675374 (VCV001675374.34), dbSNP rs138495442, ClinGen allele CA1109283.